The following is an entry in ClinVar:

ClinVar aggregate classification (germline): Pathogenic. Review status: criteria provided, multiple submitters, no conflicts (2 of 4 stars). 2 submissions from 2 submitters: Pathogenic (2). Last evaluated 2023-04-07.

Conditions:
Hereditary breast ovarian cancer syndrome. Also called: BRCA1- and BRCA2-Associated Hereditary Breast and Ovarian Cancer; Hereditary breast and ovarian cancer syndrome (HBOC); Breast and ovarian cancer; Hereditary breast and ovarian cancer; Hereditary breast and ovarian cancer syndrome; Hereditary breast and/or ovarian cancer syndrome. Identifiers: Orphanet 145, MedGen C0677776, MeSH D061325, MONDO:0003582. Disease mechanism: loss of function.
Breast-ovarian cancer, familial, susceptibility to, 2 (BROVCA2). Also called: BRCA2 Hereditary Breast and Ovarian Cancer. Identifiers: Orphanet 145, MedGen C2675520, MONDO:0012933, OMIM 612555. Disease mechanism: loss of function.

Submissions (2):

Labcorp Genetics (formerly Invitae), Labcorp
Classification: Pathogenic for Hereditary breast ovarian cancer syndrome. Last evaluated: 2023-04-07. Review status: criteria provided, single submitter. Criteria: Invitae Variant Classification Sherloc (09022015). Collection method: clinical testing. Allele origin: germline.
Comment: ClinVar contains an entry for this variant (Variation ID: 2431276). This sequence change creates a premature translational stop signal (p.Ser2326*) in the BRCA2 gene. It is expected to result in an absent or disrupted protein product. Loss-of-function variants in BRCA2 are known to be pathogenic (PMID: 20104584). This variant is not present in population databases (gnomAD no frequency). This variant has not been reported in the literature in individuals affected with BRCA2-related conditions. For these reasons, this variant has been classified as Pathogenic.

Myriad Genetics, Inc.
Classification: Pathogenic for Breast-ovarian cancer, familial, susceptibility to, 2. Last evaluated: 2023-01-31. Review status: criteria provided, single submitter. Criteria: Myriad Autosomal Dominant, Autosomal Recessive and X-Linked Classification Criteria (2023). Collection method: clinical testing. Allele origin: unknown.
Comment: This variant is considered pathogenic. This variant creates a termination codon and is predicted to result in premature protein truncation.

Literature cited by the submitters: PubMed 20104584 (cited by Labcorp Genetics (formerly Invitae), Labcorp).

NM_000059.4(BRCA2):c.6977_6980del (p.Val2325_Ser2326insTer)

Gene: BRCA2 (BRCA2 DNA repair associated; plus strand). Cytogenetic location: 13q13.1.
Variant type: Deletion.
Coding change: c.6977_6980del on transcript NM_000059.4 (MANE Select); coding-DNA positions 6977 to 6980, 4 bases deleted (CTTT; older notation c.6977_6980delCTTT).
Protein change: p.Val2325_Ser2326insTer.
Molecular consequence: nonsense. On other transcripts: frameshift variant (4).
Genome position (GRCh38, 1-based): chr13:32,346,866-32,346,869, CTTT deleted; deleting any 4 consecutive bases within chr13:32,346,863-32,346,869 gives the same sequence; the c. name uses the placement nearest the transcript's 3' end. VCF-style (leftmost placement, unchanged base first): chr13-32346862-GTTTC-G. GRCh37 (hg19) VCF-style: chr13-32920999-GTTTC-G.
Other names: c.6881_6884delCTTT, p.Ser2294Terfs (NM_001406719.1); c.6977_6980delCTTT, p.Ser2326Terfs (NM_001406720.1); c.2045_2048delCTTT, p.Ser682Terfs (NM_001406721.1); c.560_563delCTTT, p.Ser187Terfs (NM_001406722.1).
Identifiers: ClinVar variation 2431276 (VCV002431276.4), dbSNP rs2548537061, ClinGen allele CA2580087335.
Genomic context (GRCh38, chr13:32,346,862, plus strand): 5'-GTAATATAAAATAATTGTTTCCTAGGCACAATAAAAGATCGAAGATTGTTTATGCATCAT[GTTTC>G]TTTAGAGCCGATTACCTGTGTACCCTTTCGGTAAGACATGTTTAAATTTTTCTAAATTCT-3'